The following is an entry in ClinVar:

ClinVar aggregate classification (germline): Likely benign. Review status: criteria provided, multiple submitters, no conflicts (2 of 4 stars). 2 submissions from 2 submitters: Likely benign (2). Last evaluated 2025-11-03.

Conditions:
Glycogen storage disease due to muscle and heart glycogen synthase deficiency. Also called: MUSCLE GLYCOGEN SYNTHASE DEFICIENCY; GSD 0b. Identifiers: Orphanet 137625, MedGen C1969054, MONDO:0012693, OMIM 611556.

Allele frequency attached by ClinVar (database versions not stated): gnomAD exomes 0.00004 and 0.00012; ExAC 0.00007; gnomAD 0.00007; TOPMed 0.00009.
gnomAD v4.1: 76 of 1,613,292 alleles (0.0047%); highest among the groups gnomAD compares: East Asian, 0.06%; no homozygotes.

Submissions (2):

Labcorp Genetics (formerly Invitae), Labcorp
Classification: Likely benign for Glycogen storage disease due to muscle and heart glycogen synthase deficiency. Last evaluated: 2025-11-03. Review status: criteria provided, single submitter. Criteria: Invitae Variant Classification Sherloc (09022015). Collection method: clinical testing. Allele origin: germline.

GeneDx
Classification: Likely benign. Last evaluated: 2016-09-27. Review status: criteria provided, single submitter. Criteria: GeneDx Variant Classification (06012015). Collection method: clinical testing. Allele origin: germline. Affected: yes.
Comment: This variant is considered likely benign or benign based on one or more of the following criteria: it is a conservative change, it occurs at a poorly conserved position in the protein, it is predicted to be benign by multiple in silico algorithms, and/or has population frequency not consistent with disease.

NM_002103.5(GYS1):c.300+7C>T

Gene: GYS1 (glycogen synthase 1; minus strand). Cytogenetic location: 19q13.33.
Variant type: single nucleotide variant.
Coding change: c.300+7C>T on transcript NM_002103.5 (MANE Select); 7 bases into the intron after coding-DNA position 300, C replaced by T.
Molecular consequence: intron variant.
Genome position (GRCh38, 1-based): chr19:48,991,295, G>A on the plus strand (C>T on the coding strand, the complement: GYS1 is on the minus strand). VCF-style: chr19-48991295-G-A. GRCh37 (hg19) VCF-style: chr19-49494552-G-A.
Other names: c.300+7C>T (NM_001161587.2).
Identifiers: ClinVar variation 389183 (VCV000389183.9), dbSNP rs759904590, ClinGen allele CA9563400.
Genomic context (GRCh38, chr19:48,991,295, plus strand): 5'-GTCTGTGGCTCCCACCCCGATGGCAGGCTGTCCACCCGCTTCTGCCCTGGGCTGGGCCAC[G>A]TCCCACCTTGCAGCCCTTGCTGTTCATGGAATCCAGTGTCCTCTTCAGGGCCGGGGTGGG-3'